The following is an entry in ClinVar:

NM_017934.7(PHIP):c.2022C>T (p.Ser674=)

Gene: PHIP (PHIP subunit of CUL4-Ring ligase complex; minus strand). Cytogenetic location: 6q14.1.
Variant type: single nucleotide variant.
Coding change: c.2022C>T on transcript NM_017934.7 (MANE Select); coding-DNA position 2022, C replaced by T.
Protein change: p.Ser674=; no amino-acid change (serine 674 retained).
Molecular consequence: synonymous variant.
Genome position (GRCh38, 1-based): chr6:78,997,593, G>A on the plus strand (C>T on the coding strand, the complement: PHIP is on the minus strand). VCF-style: chr6-78997593-G-A. GRCh37 (hg19) VCF-style: chr6-79707310-G-A.
Identifiers: ClinVar variation 5001450 (VCV005001450.1).

ClinVar aggregate classification (germline): Likely benign (1 of 4 stars; one submission).

Conditions:
PHIP-related disorder. Also called: PHIP-related disorders; PHIP-related condition.

gnomAD v4.1: 2 of 1,610,784 alleles (0.00012%); highest among the groups gnomAD compares: Admixed American, 0.0033%; no homozygotes.

Submission:

PreventionGenetics, part of Exact Sciences
Classification: Likely benign for PHIP-related condition. Last evaluated: 2025-03-18. Review status: criteria provided, single submitter. Criteria: ACMG Guidelines, 2015. Collection method: clinical testing. Allele origin: germline.
Comment: This variant is classified as likely benign based on ACMG/AMP sequence variant interpretation guidelines (Richards et al. 2015 PMID: 25741868, with internal and published modifications).